The following is an entry in ClinVar:

NM_006859.4(LIAS):c.954+244G>A

Gene: LIAS (lipoic acid synthetase; plus strand). Cytogenetic location: 4p14.
Variant type: single nucleotide variant.
Coding change: c.954+244G>A on transcript NM_006859.4 (MANE Select); 244 bases into the intron after coding-DNA position 954, G replaced by A.
Molecular consequence: intron variant.
Genome position (GRCh38, 1-based): chr4:39,471,550, G>A. VCF-style: chr4-39471550-G-A. GRCh37 (hg19) VCF-style: chr4-39473170-G-A.
Other names: c.954+244G>A (NM_194451.3); c.825+244G>A (NM_001278590.2); c.645+244G>A (NM_001363700.2).
Identifiers: ClinVar variation 683116 (VCV000683116.1), dbSNP rs182067569, ClinGen allele CA95732253.
Genomic context (GRCh38, chr4:39,471,550, plus strand): 5'-CATCCGGCTAAAATATACATATATATAATTTTTTTTTTTTTTTTTTTTTTTTTTTGAGAC[G>A]GAGTCTCGCTCTGTCGCCCAGGCTGGAGTGCAGTGGGGCAATCTCGGCTCACTGCAACCT-3'

ClinVar aggregate classification (germline): Benign (1 of 4 stars; one submission).

Allele frequency attached by ClinVar (database versions not stated): 1000 Genomes Project 0.05911; 1000 Genomes Project 30x 0.06168; TOPMed 0.08060; gnomAD 0.10146 and 0.10480.
gnomAD v4.1: 11,277 of 111,450 alleles (10%); highest among the groups gnomAD compares: African/African-American, 17%; 620 homozygotes.

Submission:

GeneDx
Classification: Benign. Last evaluated: 2018-06-19. Review status: criteria provided, single submitter. Criteria: GeneDx Variant Classification (06012015). Collection method: clinical testing. Allele origin: germline. Affected: yes.
Comment: This variant is considered likely benign or benign based on one or more of the following criteria: it is a conservative change, it occurs at a poorly conserved position in the protein, it is predicted to be benign by multiple in silico algorithms, and/or has population frequency not consistent with disease.